The following is an entry in ClinVar:

NM_000264.5(PTCH1):c.*851G>C

Gene: PTCH1 (patched 1; minus strand). Cytogenetic location: 9q22.32.
Variant type: single nucleotide variant.
Coding change: c.*851G>C on transcript NM_000264.5 (MANE Select); 851 bases downstream of the stop codon, G replaced by C.
Molecular consequence: 3 prime UTR variant. On other transcripts: non-coding transcript variant (1).
Genome position (GRCh38, 1-based): chr9:95,445,542, C>G on the plus strand (G>C on the coding strand, the complement: PTCH1 is on the minus strand). VCF-style: chr9-95445542-C-G. GRCh37 (hg19) VCF-style: chr9-98207824-C-G.
Other names: c.*851G>C (NM_001083602.3, NM_001083603.3, NM_001083604.3 and 4 more transcripts).
Identifiers: ClinVar variation 367651 (VCV000367651.5), dbSNP rs73540186, ClinGen allele CA10630678.
Genomic context (GRCh38, chr9:95,445,542, plus strand): 5'-CAATGATCCGAGAGAAGGAGATTATCCCCCTGAAGCACAAATTGGGGTCCTGGATGGCAG[C>G]CAATGATCATAAGAGATGCCGTAGACACGAGGAGAGTCTAGCTTTTGCCGGGCTGATTTG-3'

ClinVar aggregate classification (germline): Benign. Review status: criteria provided, single submitter (1 of 4 stars). 2 submissions from 1 submitter: Benign (2). Last evaluated 2018-01-13.

Conditions:
Holoprosencephaly 7 (HPE7). Identifiers: Orphanet 2162, MedGen C1835820, MONDO:0012562, OMIM 610828.
Gorlin syndrome. Also called: Basal cell nevus syndrome; Nevoid Basal Cell Carcinoma Syndrome. Identifiers: Orphanet 377, MedGen C0004779, MONDO:0007187.

Allele frequency attached by ClinVar (database versions not stated): gnomAD 0.00778 and 0.00827; TOPMed 0.00889; 1000 Genomes Project 0.01118; 1000 Genomes Project 30x 0.01265.

Submissions (2):

Illumina Laboratory Services, Illumina
Classification: Benign for Basal cell nevus syndrome 1. Last evaluated: 2018-01-13. Review status: criteria provided, single submitter. Criteria: ICSL Variant Classification Criteria 13 December 2019. Collection method: clinical testing. Allele origin: germline.
Comment: This variant was observed in the ICSL laboratory as part of a predisposition screen in an ostensibly healthy population. It had not been previously curated by ICSL or reported in the Human Gene Mutation Database (HGMD: prior to June 1st, 2018), and was therefore a candidate for classification through an automated scoring system. Utilizing variant allele frequency, disease prevalence and penetrance estimates, and inheritance mode, an automated score was calculated to assess if this variant is too frequent to cause the disease. Based on the score and internal cut-off values, a variant classified as benign is not then subjected to further curation. The score for this variant resulted in a classification of benign for this disease.

Illumina Laboratory Services, Illumina
Classification: Benign for Holoprosencephaly 7. Last evaluated: 2018-01-13. Review status: criteria provided, single submitter. Criteria: ICSL Variant Classification Criteria 13 December 2019. Collection method: clinical testing. Allele origin: germline.
Comment: the same text as in the submission from Illumina Laboratory Services, Illumina above.